The following is an entry in ClinVar:

ClinVar aggregate classification (germline): Uncertain significance. Review status: criteria provided, multiple submitters, no conflicts (2 of 4 stars). 2 submissions from 2 submitters: Uncertain significance (2). Last evaluated 2024-09-26.

Conditions:
Inborn genetic diseases. Identifiers: MedGen C0950123, MeSH D030342.

Submissions (2):

Ambry Genetics
Classification: Uncertain significance for Inborn genetic diseases. Last evaluated: 2024-09-26. Review status: criteria provided, single submitter. Criteria: Ambry Variant Classification Scheme 2023. Collection method: clinical testing. Allele origin: germline.

Labcorp Genetics (formerly Invitae), Labcorp
Classification: Uncertain significance. Last evaluated: 2024-05-13. Review status: criteria provided, single submitter. Criteria: Invitae Variant Classification Sherloc (09022015). Collection method: clinical testing. Allele origin: germline.
Comment: This sequence change replaces arginine, which is basic and polar, with proline, which is neutral and non-polar, at codon 1011 of the TUBGCP6 protein (p.Arg1011Pro). This variant is not present in population databases (gnomAD no frequency). This variant has not been reported in the literature in individuals affected with TUBGCP6-related conditions. Algorithms developed to predict the effect of missense changes on protein structure and function output the following: SIFT: "Not Available"; PolyPhen-2: "Benign"; Align-GVGD: "Not Available". The proline amino acid residue is found in multiple mammalian species, which suggests that this missense change does not adversely affect protein function. In summary, the available evidence is currently insufficient to determine the role of this variant in disease. Therefore, it has been classified as a Variant of Uncertain Significance.

NM_020461.4(TUBGCP6):c.3032G>C (p.Arg1011Pro)

Gene: TUBGCP6 (tubulin gamma complex component 6; minus strand). Cytogenetic location: 22q13.33.
Variant type: single nucleotide variant.
Coding change: c.3032G>C on transcript NM_020461.4 (MANE Select); coding-DNA position 3032, G replaced by C.
Protein change: p.Arg1011Pro; replaces arginine 1011 with proline.
Molecular consequence: missense variant.
Genome position (GRCh38, 1-based): chr22:50,221,327, C>G on the plus strand (G>C on the coding strand, the complement: TUBGCP6 is on the minus strand). VCF-style: chr22-50221327-C-G. GRCh37 (hg19) VCF-style: chr22-50659756-C-G.
Other names: short protein forms R1011P.
Identifiers: ClinVar variation 3464429 (VCV003464429.3).
Genomic context (GRCh38, chr22:50,221,327, plus strand): 5'-CCTGACACCTGCCCAAAGAGCCGCTCTGTGGGCTGGCTGCTCCCCTCCTCCAGAGCAGCA[C>G]GCCTGGGTGGGTGTGAGGGGAGCAGAGTCTCCCGCGAGGCGGAGCCACAGGCATCCATCT-3'
Protein context (NP_065194.3, residues 1001-1021): ETLLPSHPPR[Arg1011Pro]AALEEGSSQP